The following is an entry in ClinVar:

NM_001040272.6(ADAMTSL1):c.5183T>C (p.Met1728Thr)

Gene: ADAMTSL1 (ADAMTS like 1; plus strand). Cytogenetic location: 9p22.1.
Variant type: single nucleotide variant.
Coding change: c.5183T>C on transcript NM_001040272.6 (MANE Select); coding-DNA position 5183, T replaced by C.
Protein change: p.Met1728Thr; replaces methionine 1728 with threonine.
Molecular consequence: missense variant.
Genome position (GRCh38, 1-based): chr9:18,908,442, T>C. VCF-style: chr9-18908442-T-C. GRCh37 (hg19) VCF-style: chr9-18908440-T-C.
Other names: short protein forms M1728T.
Identifiers: ClinVar variation 3031015 (VCV003031015.2), dbSNP rs749925109, ClinGen allele CA373012913.

ClinVar aggregate classification (germline): Uncertain significance (0 of 4 stars; one submission).

Conditions:
ADAMTSL1-related disorder. Also called: ADAMTSL1-related condition.

Submission:

PreventionGenetics, part of Exact Sciences
Classification: Uncertain significance for ADAMTSL1-related condition. Last evaluated: 2024-02-09. Review status: no assertion criteria provided. Collection method: clinical testing. Allele origin: germline.
Comment: The ADAMTSL1 c.5183T>C variant is predicted to result in the amino acid substitution p.Met1728Thr. To our knowledge, this variant has not been reported in the literature. This variant is reported in 0.0015% of alleles in individuals of European (Non-Finnish) descent in gnomAD. At this time, the clinical significance of this variant is uncertain due to the absence of conclusive functional and genetic evidence.